The following is an entry in ClinVar:

NM_023067.4(FOXL2):c.292T>C (p.Trp98Arg)

Gene: FOXL2 (forkhead box L2; minus strand). Cytogenetic location: 3q22.3.
Variant type: single nucleotide variant.
Coding change: c.292T>C on transcript NM_023067.4 (MANE Select); coding-DNA position 292, T replaced by C.
Protein change: p.Trp98Arg; replaces tryptophan 98 with arginine.
Molecular consequence: missense variant.
Genome position (GRCh38, 1-based): chr3:138,946,431, A>G on the plus strand (T>C on the coding strand, the complement: FOXL2 is on the minus strand). VCF-style: chr3-138946431-A-G. GRCh37 (hg19) VCF-style: chr3-138665273-A-G.
Other names: short protein forms W98R.
Identifiers: ClinVar variation 369897 (VCV000369897.1), dbSNP rs1057516149, ClinGen allele CA10654897.

ClinVar aggregate classification (germline): Likely pathogenic (1 of 4 stars; one submission).

Conditions:
Blepharophimosis, ptosis, and epicanthus inversus syndrome. Identifiers: Orphanet 126, MedGen C0220663, MONDO:0007201, OMIM 110100.

Submission:

Genomic Diagnostic Laboratory, Division of Genomic Diagnostics, Children's Hospital of Philadelphia
Classification: Likely pathogenic for Blepharophimosis, ptosis, and epicanthus inversus syndrome. Last evaluated: 2016-11-03. Review status: criteria provided, single submitter. Criteria: DGD Variant Analysis Guidelines. Collection method: clinical testing. Allele origin: germline. Affected: yes. Observed: 1 variant allele.
Comment: Clinical Testing